The following is an entry in ClinVar:

NM_001005242.3(PKP2):c.1168A>G (p.Arg390Gly)

Gene: PKP2 (plakophilin 2; minus strand). Cytogenetic location: 12p11.21.
Variant type: single nucleotide variant.
Coding change: c.1168A>G on transcript NM_001005242.3 (MANE Select); coding-DNA position 1168, A replaced by G.
Protein change: p.Arg390Gly; replaces arginine 390 with glycine.
Molecular consequence: missense variant.
Genome position (GRCh38, 1-based): chr12:32,868,929, T>C on the plus strand (A>G on the coding strand, the complement: PKP2 is on the minus strand). VCF-style: chr12-32868929-T-C. GRCh37 (hg19) VCF-style: chr12-33021863-T-C.
Other names: c.1168A>G, p.Arg390Gly (NM_001407155.1, NM_001407156.1, NM_001407157.1 and 2 more transcripts); c.841A>G, p.Arg281Gly (NM_001407158.1, NM_001407159.1, NM_001407160.1 and 1 more transcripts); short protein forms R281G, R390G.
Identifiers: ClinVar variation 3646341 (VCV003646341.2).

ClinVar aggregate classification (germline): Uncertain significance (1 of 4 stars; one submission).

Conditions:
Arrhythmogenic right ventricular dysplasia 9 (ARVD9). Also called: Arrhythmogenic Right Ventricular Dysplasia/Cardiomyopathy 9; ARRHYTHMOGENIC RIGHT VENTRICULAR DYSPLASIA, FAMILIAL, 9. Identifiers: MedGen C1836906, MONDO:0012180, OMIM 609040.

Submission:

Labcorp Genetics (formerly Invitae), Labcorp
Classification: Uncertain significance for Arrhythmogenic right ventricular dysplasia 9. Last evaluated: 2024-03-16. Review status: criteria provided, single submitter. Criteria: Invitae Variant Classification Sherloc (09022015). Collection method: clinical testing. Allele origin: germline.
Comment: This sequence change replaces arginine, which is basic and polar, with glycine, which is neutral and non-polar, at codon 390 of the PKP2 protein (p.Arg390Gly). This variant is not present in population databases (gnomAD no frequency). This variant has not been reported in the literature in individuals affected with PKP2-related conditions. An algorithm developed to predict the effect of missense changes on protein structure and function (PolyPhen-2) suggests that this variant is likely to be tolerated. In summary, the available evidence is currently insufficient to determine the role of this variant in disease. Therefore, it has been classified as a Variant of Uncertain Significance.